The following is an entry in ClinVar:

NM_006231.4(POLE):c.6398T>A (p.Val2133Glu)

Gene: POLE (DNA polymerase epsilon, catalytic subunit; minus strand). Cytogenetic location: 12q24.33.
Variant type: single nucleotide variant.
Coding change: c.6398T>A on transcript NM_006231.4 (MANE Select); coding-DNA position 6398, T replaced by A.
Protein change: p.Val2133Glu; replaces valine 2133 with glutamic acid.
Molecular consequence: missense variant.
Genome position (GRCh38, 1-based): chr12:132,626,250, A>T on the plus strand (T>A on the coding strand, the complement: POLE is on the minus strand). VCF-style: chr12-132626250-A-T. GRCh37 (hg19) VCF-style: chr12-133202836-A-T.
Other names: c.6398T>A (NM_006231.2); short protein forms V2133E.
Identifiers: ClinVar variation 943403 (VCV000943403.10), dbSNP rs1336525905, ClinGen allele CA387367694.
Genomic context (GRCh38, chr12:132,626,250, plus strand): 5'-AGCACGTAGGAGCGGCAGGGGTCTCGGAACTGGGCCTCCTCGGAGAACTCGCCGACATCC[A>T]CCAGGCGAAGCAGGTCTCGGTTCAGCTTATTCACCTGGTTTGTGATGTTGGTGTCCAGGG-3'
Protein context (NP_006222.2, residues 2123-2143): NKLNRDLLRL[Val2133Glu]DVGEFSEEAQ

ClinVar aggregate classification (germline): Uncertain significance. Review status: criteria provided, multiple submitters, no conflicts (2 of 4 stars). 2 submissions from 2 submitters: Uncertain significance (2). Last evaluated 2023-12-07.

Conditions:
Hereditary cancer-predisposing syndrome. Also called: Neoplastic Syndromes, Hereditary; Hereditary Cancer Syndrome; Tumor predisposition; Hereditary neoplastic syndrome. Identifiers: Orphanet 140162, MedGen C0027672, MeSH D009386, MONDO:0015356.

Allele frequency attached by ClinVar (database versions not stated): gnomAD exomes below 0.00001.
gnomAD v4.1: 2 of 1,613,912 alleles (0.00012%); highest among the groups gnomAD compares: Non-Finnish European, 0.00017%; no homozygotes.

Submissions (2):

Labcorp Genetics (formerly Invitae), Labcorp
Classification: Uncertain significance. Last evaluated: 2023-12-07. Review status: criteria provided, single submitter. Criteria: Invitae Variant Classification Sherloc (09022015). Collection method: clinical testing. Allele origin: germline.
Comment: This sequence change replaces valine, which is neutral and non-polar, with glutamic acid, which is acidic and polar, at codon 2133 of the POLE protein (p.Val2133Glu). This variant is present in population databases (no rsID available, gnomAD 0.0009%). This variant has not been reported in the literature in individuals affected with POLE-related conditions. ClinVar contains an entry for this variant (Variation ID: 943403). Advanced modeling of protein sequence and biophysical properties (such as structural, functional, and spatial information, amino acid conservation, physicochemical variation, residue mobility, and thermodynamic stability) performed at Invitae indicates that this missense variant is not expected to disrupt POLE protein function with a negative predictive value of 80%. In summary, the available evidence is currently insufficient to determine the role of this variant in disease. Therefore, it has been classified as a Variant of Uncertain Significance.

Ambry Genetics
Classification: Uncertain significance for Hereditary cancer-predisposing syndrome. Last evaluated: 2023-01-18. Review status: criteria provided, single submitter. Criteria: Ambry Variant Classification Scheme 2023. Collection method: clinical testing. Allele origin: germline.
Comment: The p.V2133E variant (also known as c.6398T>A), located in coding exon 46 of the POLE gene, results from a T to A substitution at nucleotide position 6398. The valine at codon 2133 is replaced by glutamic acid, an amino acid with dissimilar properties. This amino acid position is conserved. In addition, this alteration is predicted to be tolerated by in silico analysis. Since supporting evidence is limited at this time, the clinical significance of this alteration remains unclear.